The following is an entry in ClinVar:

ClinVar aggregate classification (germline): Uncertain significance. Review status: criteria provided, multiple submitters, no conflicts (2 of 4 stars). 2 submissions from 2 submitters: Uncertain significance (2). Last evaluated 2025-03-13.

Allele frequency attached by ClinVar (database versions not stated): 1000 Genomes Project 0.00020; 1000 Genomes Project 30x 0.00031.
gnomAD v4.1: 97 of 1,614,150 alleles (0.006%); highest among the groups gnomAD compares: Non-Finnish European, 0.0078%; no homozygotes.

Submissions (2):

Labcorp Genetics (formerly Invitae), Labcorp
Classification: Uncertain significance. Last evaluated: 2025-03-13. Review status: criteria provided, single submitter. Criteria: Invitae Variant Classification Sherloc (09022015). Collection method: clinical testing. Allele origin: germline.
Comment: This sequence change replaces serine, which is neutral and polar, with leucine, which is neutral and non-polar, at codon 439 of the TUBA8 protein (p.Ser439Leu). This variant is present in population databases (rs545311543, gnomAD 0.01%). This variant has not been reported in the literature in individuals affected with TUBA8-related conditions. ClinVar contains an entry for this variant (Variation ID: 1911840). Invitae Evidence Modeling of protein sequence and biophysical properties (such as structural, functional, and spatial information, amino acid conservation, physicochemical variation, residue mobility, and thermodynamic stability) indicates that this missense variant is not expected to disrupt TUBA8 protein function with a negative predictive value of 80%. In summary, the available evidence is currently insufficient to determine the role of this variant in disease. Therefore, it has been classified as a Variant of Uncertain Significance.

Ambry Genetics
Classification: Uncertain significance. Last evaluated: 2024-09-30. Review status: criteria provided, single submitter. Criteria: Ambry Variant Classification Scheme 2023. Collection method: clinical testing. Allele origin: germline.

NM_018943.3(TUBA8):c.1316C>T (p.Ser439Leu)

Gene: TUBA8 (tubulin alpha 8; plus strand). Cytogenetic location: 22q11.21.
Variant type: single nucleotide variant.
Coding change: c.1316C>T on transcript NM_018943.3 (MANE Select); coding-DNA position 1316, C replaced by T.
Protein change: p.Ser439Leu; replaces serine 439 with leucine.
Molecular consequence: missense variant.
Genome position (GRCh38, 1-based): chr22:18,131,102, C>T. VCF-style: chr22-18131102-C-T. GRCh37 (hg19) VCF-style: chr22-18613869-C-T.
Other names: c.1316C>T (NM_018943.2); c.1118C>T, p.Ser373Leu (NM_001193414.2); short protein forms S439L, S373L.
Identifiers: ClinVar variation 1911840 (VCV001911840.6), dbSNP rs545311543, ClinGen allele CA10093881.
Genomic context (GRCh38, chr22:18,131,102, plus strand): 5'-CTGAGGCCAGGGAAGACTTAGCTGCCCTGGAGAAGGATTATGAAGAAGTGGGGACTGATT[C>T]GTTTGAAGAAGAAAATGAAGGGGAGGAATTTTAAATATATACCTTCCCCTTGGCTGTGTC-3'
Protein context (NP_061816.1, residues 429-449): EKDYEEVGTD[Ser439Leu]FEEENEGEEF